The following is an entry in ClinVar:

ClinVar aggregate classification (germline): Uncertain significance. Review status: criteria provided, multiple submitters, no conflicts (2 of 4 stars). 2 submissions from 2 submitters: Uncertain significance (2). Last evaluated 2025-06-22.

Conditions:
Catecholaminergic polymorphic ventricular tachycardia 1. Also called: VENTRICULAR TACHYCARDIA, CATECHOLAMINERGIC POLYMORPHIC, 1, WITH OR WITHOUT ATRIAL DYSFUNCTION AND/OR DILATED CARDIOMYOPATHY; RYR2-Related Catecholaminergic Polymorphic Ventricular Tachycardia; VENTRICULAR TACHYCARDIA, STRESS-INDUCED POLYMORPHIC 1. Identifiers: Orphanet 3286, MedGen C1631597, MONDO:0011484, OMIM 604772.

Submissions (2):

Labcorp Genetics (formerly Invitae), Labcorp
Classification: Uncertain significance for Catecholaminergic polymorphic ventricular tachycardia 1. Last evaluated: 2025-06-22. Review status: criteria provided, single submitter. Criteria: Invitae Variant Classification Sherloc (09022015). Collection method: clinical testing. Allele origin: germline.
Comment: This sequence change replaces proline, which is neutral and non-polar, with threonine, which is neutral and polar, at codon 1584 of the RYR2 protein (p.Pro1584Thr). This variant is not present in population databases (gnomAD no frequency). This missense change has been observed in individual(s) with RYR2-related conditions (PMID: 34597909). ClinVar contains an entry for this variant (Variation ID: 3778082). Invitae Evidence Modeling of protein sequence and biophysical properties (such as structural, functional, and spatial information, amino acid conservation, physicochemical variation, residue mobility, and thermodynamic stability) indicates that this missense variant is expected to disrupt RYR2 protein function with a positive predictive value of 95%. In summary, the available evidence is currently insufficient to determine the role of this variant in disease. Therefore, it has been classified as a Variant of Uncertain Significance.

CeGaT Center for Human Genetics Tuebingen
Classification: Uncertain significance. Last evaluated: 2025-03-01. Review status: criteria provided, single submitter. Criteria: CeGaT Center For Human Genetics Tuebingen Variant Classification Criteria Version 2. Collection method: clinical testing. Allele origin: germline. Affected: yes. Observed: 1 variant allele.
Comment: RYR2: PM2, PS4:Supporting

Literature cited by the submitters: PubMed 34597909 (cited by Labcorp Genetics (formerly Invitae), Labcorp).

NM_001035.3(RYR2):c.4750C>A (p.Pro1584Thr)

Gene: RYR2 (ryanodine receptor 2; plus strand). Cytogenetic location: 1q43.
Variant type: single nucleotide variant.
Coding change: c.4750C>A on transcript NM_001035.3 (MANE Select); coding-DNA position 4750, C replaced by A.
Protein change: p.Pro1584Thr; replaces proline 1584 with threonine.
Molecular consequence: missense variant.
Genome position (GRCh38, 1-based): chr1:237,610,828, C>A. VCF-style: chr1-237610828-C-A. GRCh37 (hg19) VCF-style: chr1-237774128-C-A.
Other names: short protein forms P1584T.
Identifiers: ClinVar variation 3778082 (VCV003778082.8).